The following is an entry in ClinVar:

ClinVar aggregate classification (germline): Uncertain significance (1 of 4 stars; one submission).

Submission:

Labcorp Genetics (formerly Invitae), Labcorp
Classification: Uncertain significance. Last evaluated: 2022-08-05. Review status: criteria provided, single submitter. Criteria: Invitae Variant Classification Sherloc (09022015). Collection method: clinical testing. Allele origin: germline.
Comment: This variant is not present in population databases (gnomAD no frequency). This sequence change replaces arginine, which is basic and polar, with glycine, which is neutral and non-polar, at codon 444 of the TUBGCP6 protein (p.Arg444Gly). In summary, the available evidence is currently insufficient to determine the role of this variant in disease. Therefore, it has been classified as a Variant of Uncertain Significance. Algorithms developed to predict the effect of missense changes on protein structure and function output the following: SIFT: "Deleterious"; PolyPhen-2: "Probably Damaging"; Align-GVGD: "Class C0". The glycine amino acid residue is found in multiple mammalian species, which suggests that this missense change does not adversely affect protein function. This variant has not been reported in the literature in individuals affected with TUBGCP6-related conditions.

NM_020461.4(TUBGCP6):c.1330C>G (p.Arg444Gly)

Gene: TUBGCP6 (tubulin gamma complex component 6; minus strand). Cytogenetic location: 22q13.33.
Variant type: single nucleotide variant.
Coding change: c.1330C>G on transcript NM_020461.4 (MANE Select); coding-DNA position 1330, C replaced by G.
Protein change: p.Arg444Gly; replaces arginine 444 with glycine.
Molecular consequence: missense variant.
Genome position (GRCh38, 1-based): chr22:50,227,989, G>C on the plus strand (C>G on the coding strand, the complement: TUBGCP6 is on the minus strand). VCF-style: chr22-50227989-G-C. GRCh37 (hg19) VCF-style: chr22-50666418-G-C.
Other names: short protein forms R444G.
Identifiers: ClinVar variation 1715157 (VCV001715157.5), dbSNP rs745791584, ClinGen allele CA412108135.